The following is an entry in ClinVar:

NM_003049.4(SLC10A1):c.567+24A>G

Gene: SLC10A1 (solute carrier family 10 member 1; minus strand). Cytogenetic location: 14q24.1.
Variant type: single nucleotide variant.
Coding change: c.567+24A>G on transcript NM_003049.4 (MANE Select); 24 bases into the intron after coding-DNA position 567, A replaced by G.
Molecular consequence: intron variant.
Genome position (GRCh38, 1-based): chr14:69,786,073, T>C on the plus strand (A>G on the coding strand, the complement: SLC10A1 is on the minus strand). VCF-style: chr14-69786073-T-C. GRCh37 (hg19) VCF-style: chr14-70252790-T-C.
Other names: p.?.
Identifiers: ClinVar variation 4683893 (VCV004683893.1).
Genomic context (GRCh38, chr14:69,786,073, plus strand): 5'-TATTAATATAATGATTATATCTTATAGTTGTATATGGTGTTTTTACTCTTTTGCCCTAAT[T>C]TGTCAAGCCTCCCAGGTTCTTACCTTGATGACATAGCGCATGTATTGTGGCCGTTTGGAT-3'

ClinVar aggregate classification (germline): Likely benign (1 of 4 stars; one submission).

gnomAD v4.1: 1 of 1,593,172 alleles (0.000063%); highest among the groups gnomAD compares: Admixed American, 0.0017%; no homozygotes.

Submission:

Mayo Clinic Laboratories, Mayo Clinic
Classification: Likely benign. Last evaluated: 2025-10-28. Review status: criteria provided, single submitter. Criteria: ACMG Guidelines, 2015. Collection method: clinical testing. Allele origin: germline. Observed: 1 variant allele.
Comment: BP4, BP7, PM2_supporting